The following is an entry in ClinVar:

NM_006662.3(SRCAP):c.4553C>T (p.Ser1518Phe)

Gene: SRCAP (Snf2 related CREBBP activator protein; plus strand). Cytogenetic location: 16p11.2.
Variant type: single nucleotide variant.
Coding change: c.4553C>T on transcript NM_006662.3 (MANE Select); coding-DNA position 4553, C replaced by T.
Protein change: p.Ser1518Phe; replaces serine 1518 with phenylalanine.
Molecular consequence: missense variant.
Genome position (GRCh38, 1-based): chr16:30,723,977, C>T. VCF-style: chr16-30723977-C-T. GRCh37 (hg19) VCF-style: chr16-30735298-C-T.
Other names: short protein forms S1518F.
Identifiers: ClinVar variation 4762867 (VCV004762867.1).

ClinVar aggregate classification (germline): Uncertain significance (1 of 4 stars; one submission).

gnomAD v4.1: 38 of 1,614,070 alleles (0.0024%); highest among the groups gnomAD compares: Non-Finnish European, 0.003%; no homozygotes.

Submission:

Labcorp Genetics (formerly Invitae), Labcorp
Classification: Uncertain significance. Last evaluated: 2025-07-31. Review status: criteria provided, single submitter. Criteria: Invitae Variant Classification Sherloc (09022015). Collection method: clinical testing. Allele origin: germline.
Comment: This sequence change replaces serine, which is neutral and polar, with phenylalanine, which is neutral and non-polar, at codon 1518 of the SRCAP protein (p.Ser1518Phe). This variant is present in population databases (no rsID available, gnomAD 0.0009%). This variant has not been reported in the literature in individuals affected with SRCAP-related conditions. Invitae Evidence Modeling of protein sequence and biophysical properties (such as structural, functional, and spatial information, amino acid conservation, physicochemical variation, residue mobility, and thermodynamic stability) indicates that this missense variant is not expected to disrupt SRCAP protein function with a negative predictive value of 80%. In summary, the available evidence is currently insufficient to determine the role of this variant in disease. Therefore, it has been classified as a Variant of Uncertain Significance.